The following is an entry in ClinVar:

NM_001609.4(ACADSB):c.375dup (p.Glu126fs)

Gene: ACADSB (acyl-CoA dehydrogenase short/branched chain; plus strand). Cytogenetic location: 10q26.13.
Variant type: Duplication.
Coding change: c.375dup on transcript NM_001609.4 (MANE Select); coding-DNA position 375, one base duplicated (A; older notation c.375dupA).
Protein change: p.Glu126fs; shifts the reading frame from glutamic acid 126.
Molecular consequence: frameshift variant.
Genome position (GRCh38, 1-based): chr10:123,040,537, A duplicated. VCF-style (leftmost placement, unchanged base first): chr10-123040536-T-TA. GRCh37 (hg19) VCF-style: chr10-124800052-T-TA.
Other names: c.69dup, p.Glu24fs (NM_001330174.3); c.375dupA (NM_001609.3, NM_001609.4); short protein forms E126fs, E24fs.
Identifiers: ClinVar variation 659271 (VCV000659271.17), dbSNP rs756587384, ClinGen allele CA5730695.

ClinVar aggregate classification (germline): Pathogenic/Likely pathogenic. Review status: criteria provided, multiple submitters, no conflicts (2 of 4 stars). 6 submissions from 6 submitters: Pathogenic (2); Likely pathogenic (4). Last evaluated 2025-09-15.

Conditions:
Deficiency of 2-methylbutyryl-CoA dehydrogenase (ACADSB). Also called: 2-methylbutyrylglycinuria; 2-methylbutyryl-CoA dehydrogenase deficiency; SBCAD deficiency; 2-methylbutyric aciduria; Short branched-chain acyl-CoA dehydrogenase deficiency. Identifiers: Orphanet 79157, MedGen C1864912, MONDO:0012392, OMIM 610006, HP:0020147.

Allele frequency attached by ClinVar (database versions not stated): gnomAD exomes 0.00003 and 0.00007; ExAC 0.00007; TOPMed 0.00032; gnomAD 0.00033 and 0.00037; ESP Exome Variant Server 0.00056.

Submissions (6):

Labcorp Genetics (formerly Invitae), Labcorp
Classification: Pathogenic for Deficiency of 2-methylbutyryl-CoA dehydrogenase. Last evaluated: 2025-09-15. Review status: criteria provided, single submitter. Criteria: Invitae Variant Classification Sherloc (09022015). Collection method: clinical testing. Allele origin: germline.
Comment: This sequence change creates a premature translational stop signal (p.Glu126Argfs*7) in the ACADSB gene. It is expected to result in an absent or disrupted protein product. Loss-of-function variants in ACADSB are known to be pathogenic (PMID: 20547083, 26284228). This variant is present in population databases (rs756587384, gnomAD 0.1%). This variant has not been reported in the literature in individuals affected with ACADSB-related conditions. ClinVar contains an entry for this variant (Variation ID: 659271). For these reasons, this variant has been classified as Pathogenic.

Fulgent Genetics
Classification: Likely pathogenic for Deficiency of 2-methylbutyryl-CoA dehydrogenase. Last evaluated: 2024-06-18. Review status: criteria provided, single submitter. Criteria: ACMG Guidelines, 2015. Collection method: clinical testing. Allele origin: germline.

Women's Health and Genetics/Laboratory Corporation of America, LabCorp
Classification: Pathogenic for Deficiency of 2-methylbutyryl-CoA dehydrogenase. Last evaluated: 2024-02-08. Review status: criteria provided, single submitter. Criteria: LabCorp Variant Classification Summary - May 2015. Collection method: clinical testing. Allele origin: germline.
Comment: Variant summary: ACADSB c.375dupA (p.Glu126ArgfsX7) results in a premature termination codon, predicted to cause a truncation of the encoded protein or absence of the protein due to nonsense mediated decay, which are commonly known mechanisms for disease. The variant allele was found at a frequency of 7.2e-05 in 251462 control chromosomes. This frequency is not significantly higher than estimated for a pathogenic variant in ACADSB causing Deficiency of 2-methylbutyryl-CoA Dehydrogenase (7.2e-05 vs 0.0011), allowing no conclusion about variant significance. To our knowledge, no occurrence of c.375dupA in individuals affected with Deficiency of 2-methylbutyryl-CoA Dehydrogenase and no experimental evidence demonstrating its impact on protein function have been reported. ClinVar contains an entry for this variant (Variation ID: 659271). Based on the evidence outlined above, the variant was classified as pathogenic.

Department of Pathology and Laboratory Medicine, Sinai Health System
Classification: Likely pathogenic for Deficiency of 2-methylbutyryl-CoA dehydrogenase. Last evaluated: 2023-04-03. Review status: criteria provided, single submitter. Criteria: ACMG Guidelines, 2015. Collection method: research. Allele origin: germline.

Revvity Omics, Revvity
Classification: Likely pathogenic for Deficiency of 2-methylbutyryl-CoA dehydrogenase. Last evaluated: 2021-11-10. Review status: criteria provided, single submitter. Criteria: ACMG Guidelines, 2015. Collection method: clinical testing. Allele origin: germline.

Laboratorio de Genetica e Diagnostico Molecular, Hospital Israelita Albert Einstein
Classification: Likely pathogenic. Last evaluated: 2021-10-14. Review status: criteria provided, single submitter. Criteria: ACMG Guidelines, 2015. Collection method: clinical testing. Allele origin: germline. Affected: yes.
Comment: ACMG classification criteria: PVS1, PM2

Literature cited by the submitters: PubMed 20547083 (cited by Labcorp Genetics (formerly Invitae), Labcorp); PubMed 26284228 (cited by Labcorp Genetics (formerly Invitae), Labcorp).